The following is an entry in ClinVar:

ClinVar aggregate classification (germline): Pathogenic. Review status: criteria provided, single submitter (1 of 4 stars). 2 submissions from 2 submitters: Pathogenic (1). 1 of the submissions does not count toward it. Last evaluated 2025-02-17.

Conditions:
Primary ciliary dyskinesia. Also called: Ciliary dyskinesia. Identifiers: Orphanet 244, MedGen C0008780, MONDO:0016575, HP:0012265.

Allele frequency attached by ClinVar (database versions not stated): gnomAD exomes below 0.00001 and 0.00001; TOPMed 0.00001.
gnomAD v4.1: 19 of 1,614,032 alleles (0.0012%); highest among the groups gnomAD compares: Non-Finnish European, 0.0015%; no homozygotes.

Submissions (2):

Labcorp Genetics (formerly Invitae), Labcorp
Classification: Pathogenic for Primary ciliary dyskinesia. Last evaluated: 2025-02-17. Review status: criteria provided, single submitter. Criteria: Invitae Variant Classification Sherloc (09022015). Collection method: clinical testing. Allele origin: germline.
Comment: This sequence change replaces glycine, which is neutral and non-polar, with aspartic acid, which is acidic and polar, at codon 234 of the DNAI2 protein (p.Gly234Asp). This variant is not present in population databases (gnomAD no frequency). This missense change has been observed in individual(s) with DNAI2-related conditions (internal data). ClinVar contains an entry for this variant (Variation ID: 525401). Invitae Evidence Modeling of protein sequence and biophysical properties (such as structural, functional, and spatial information, amino acid conservation, physicochemical variation, residue mobility, and thermodynamic stability) indicates that this missense variant is expected to disrupt DNAI2 protein function with a positive predictive value of 95%. For these reasons, this variant has been classified as Pathogenic.

Natera, Inc.
Classification: Uncertain significance for Primary ciliary dyskinesia. Last evaluated: 2020-10-08. Review status: no assertion criteria provided. Collection method: clinical testing. Allele origin: germline. Not counted in ClinVar's aggregate classification.

NM_023036.6(DNAI2):c.701G>A (p.Gly234Asp)

Gene: DNAI2 (dynein axonemal intermediate chain 2; plus strand). Cytogenetic location: 17q25.1.
Variant type: single nucleotide variant.
Coding change: c.701G>A on transcript NM_023036.6 (MANE Select); coding-DNA position 701, G replaced by A.
Protein change: p.Gly234Asp; replaces glycine 234 with aspartic acid.
Molecular consequence: missense variant. On other transcripts: non-coding transcript variant (1).
Genome position (GRCh38, 1-based): chr17:74,291,110, G>A. VCF-style: chr17-74291110-G-A. GRCh37 (hg19) VCF-style: chr17-72287249-G-A.
Other names: c.701G>A, p.Gly234Asp (NM_001172810.3, NM_001353167.2); short protein forms G234D.
Identifiers: ClinVar variation 525401 (VCV000525401.8), dbSNP rs897911822, ClinGen allele CA293850094.
Genomic context (GRCh38, chr17:74,291,110, plus strand): 5'-AGCCATCGTCTCCACTCGTGACGTTGGAGTTCAACCCCAAAGATTCCCACGTACTCCTGG[G>A]TGGCTGCTACAATGGACAGATAGGTAAGGAGGGACCTAGGCTTTTTTATTTTTATTTTTA-3'
Protein context (NP_075462.3, residues 224-244): FNPKDSHVLL[Gly234Asp]GCYNGQIACW